The following is an entry in ClinVar:

NM_032608.7(MYO18B):c.2768T>C (p.Val923Ala)

Gene: MYO18B (myosin XVIIIB; plus strand). Cytogenetic location: 22q12.1.
Variant type: single nucleotide variant.
Coding change: c.2768T>C on transcript NM_032608.7 (MANE Select); coding-DNA position 2768, T replaced by C.
Protein change: p.Val923Ala; replaces valine 923 with alanine.
Molecular consequence: missense variant.
Genome position (GRCh38, 1-based): chr22:25,826,481, T>C. VCF-style: chr22-25826481-T-C. GRCh37 (hg19) VCF-style: chr22-26222448-T-C.
Other names: c.2768T>C, p.Val923Ala (NM_001318245.2); short protein forms V923A.
Identifiers: ClinVar variation 1390465 (VCV001390465.6), dbSNP rs2145907185, ClinGen allele CA410999706.
Genomic context (GRCh38, chr22:25,826,481, plus strand): 5'-CAGGAGTGGACTGTGTGGAGGGGATGGCCTCGGGCCTGTACCAGGAACTCTTTGCGGCTG[T>C]GGTCTCACTCATCAACAGGTAACGGGGCCTTTTCCTAGGCACACAGTTGGCCTCTTGCAG-3'
Protein context (NP_115997.5, residues 913-933): SGLYQELFAA[Val923Ala]VSLINRSFSS

ClinVar aggregate classification (germline): Uncertain significance (1 of 4 stars; one submission).

Allele frequency attached by ClinVar (database versions not stated): gnomAD exomes below 0.00001.
gnomAD v4.1: 3 of 1,613,786 alleles (0.00019%); highest among the groups gnomAD compares: Non-Finnish European, 0.00025%; no homozygotes.

Submission:

Labcorp Genetics (formerly Invitae), Labcorp
Classification: Uncertain significance. Last evaluated: 2021-10-31. Review status: criteria provided, single submitter. Criteria: Invitae Variant Classification Sherloc (09022015). Collection method: clinical testing. Allele origin: germline.
Comment: This variant has not been reported in the literature in individuals affected with MYO18B-related conditions. This sequence change replaces valine, which is neutral and non-polar, with alanine, which is neutral and non-polar, at codon 923 of the MYO18B protein (p.Val923Ala). This variant is not present in population databases (gnomAD no frequency). Algorithms developed to predict the effect of missense changes on protein structure and function are either unavailable or do not agree on the potential impact of this missense change (SIFT: "Not Available"; PolyPhen-2: "Possibly Damaging"; Align-GVGD: "Not Available"). In summary, the available evidence is currently insufficient to determine the role of this variant in disease. Therefore, it has been classified as a Variant of Uncertain Significance.